The following is an entry in ClinVar:

ClinVar aggregate classification (germline): Uncertain significance (1 of 4 stars; one submission).

Allele frequency attached by ClinVar (database versions not stated): gnomAD exomes 0.00002; gnomAD 0.00004; ExAC 0.00005; TOPMed 0.00007.
gnomAD v4.1: 36 of 1,613,886 alleles (0.0022%); highest among the groups gnomAD compares: East Asian, 0.024%; no homozygotes.

Submission:

Labcorp Genetics (formerly Invitae), Labcorp
Classification: Uncertain significance. Last evaluated: 2023-03-02. Review status: criteria provided, single submitter. Criteria: Invitae Variant Classification Sherloc (09022015). Collection method: clinical testing. Allele origin: germline.
Comment: This variant has not been reported in the literature in individuals affected with FAT1-related conditions. Algorithms developed to predict the effect of missense changes on protein structure and function output the following: SIFT: "Not Available"; PolyPhen-2: "Benign"; Align-GVGD: "Not Available". The isoleucine amino acid residue is found in multiple mammalian species, which suggests that this missense change does not adversely affect protein function. In summary, the available evidence is currently insufficient to determine the role of this variant in disease. Therefore, it has been classified as a Variant of Uncertain Significance. This variant is present in population databases (rs753202486, gnomAD 0.08%). This sequence change replaces valine, which is neutral and non-polar, with isoleucine, which is neutral and non-polar, at codon 3388 of the FAT1 protein (p.Val3388Ile).

NM_005245.4(FAT1):c.10162G>A (p.Val3388Ile)

Gene: FAT1 (FAT atypical cadherin 1; minus strand). Cytogenetic location: 4q35.2.
Variant type: single nucleotide variant.
Coding change: c.10162G>A on transcript NM_005245.4 (MANE Select); coding-DNA position 10162, G replaced by A.
Protein change: p.Val3388Ile; replaces valine 3388 with isoleucine.
Molecular consequence: missense variant.
Genome position (GRCh38, 1-based): chr4:186,609,227, C>T on the plus strand (G>A on the coding strand, the complement: FAT1 is on the minus strand). VCF-style: chr4-186609227-C-T. GRCh37 (hg19) VCF-style: chr4-187530381-C-T.
Other names: short protein forms V3388I.
Identifiers: ClinVar variation 2884311 (VCV002884311.3), dbSNP rs753202486, ClinGen allele CA3165461.